The following is an entry in ClinVar:

NM_000352.6(ABCC8):c.1708G>A (p.Asp570Asn)

Gene: ABCC8 (ATP binding cassette subfamily C member 8; minus strand). Cytogenetic location: 11p15.1.
Variant type: single nucleotide variant.
Coding change: c.1708G>A on transcript NM_000352.6 (MANE Select); coding-DNA position 1708, G replaced by A.
Protein change: p.Asp570Asn; replaces aspartic acid 570 with asparagine.
Molecular consequence: missense variant. On other transcripts: non-coding transcript variant (1).
Genome position (GRCh38, 1-based): chr11:17,430,923, C>T on the plus strand (G>A on the coding strand, the complement: ABCC8 is on the minus strand). VCF-style: chr11-17430923-C-T. GRCh37 (hg19) VCF-style: chr11-17452470-C-T.
Other names: c.1708G>A, p.Asp570Asn (NM_001287174.3, NM_001351295.2); c.1705G>A, p.Asp569Asn (NM_001351296.2, NM_001351297.2); short protein forms D570N, D569N.
Identifiers: ClinVar variation 4717324 (VCV004717324.1).
Genomic context (GRCh38, chr11:17,430,923, plus strand): 5'-GCGGTGTGACCAAGATATGGAAGAGGGAGAGGGAGGCAAAGGCCACGGAGGGCGAGAAGT[C>T]GGCCTCTTTGAAGAAGCTGACGTGGCCCACGAAAGTCTGTGGACAGAGGCACAAGTGAGG-3'
Protein context (NP_000343.2, residues 560-580): VGHVSFFKEA[Asp570Asn]FSPSVAFASL

ClinVar aggregate classification (germline): Uncertain significance (1 of 4 stars; one submission).

gnomAD v4.1: 31 of 1,614,100 alleles (0.0019%); highest among the groups gnomAD compares: South Asian, 0.0077%; no homozygotes.

Submission:

Labcorp Genetics (formerly Invitae), Labcorp
Classification: Uncertain significance. Last evaluated: 2025-09-29. Review status: criteria provided, single submitter. Criteria: Invitae Variant Classification Sherloc (09022015). Collection method: clinical testing. Allele origin: germline.
Comment: This sequence change replaces aspartic acid, which is acidic and polar, with asparagine, which is neutral and polar, at codon 570 of the ABCC8 protein (p.Asp570Asn). This variant is present in population databases (rs201123779, gnomAD 0.01%). This variant has not been reported in the literature in individuals affected with ABCC8-related conditions. Invitae Evidence Modeling of protein sequence and biophysical properties (such as structural, functional, and spatial information, amino acid conservation, physicochemical variation, residue mobility, and thermodynamic stability) indicates that this missense variant is not expected to disrupt ABCC8 protein function with a negative predictive value of 95%. In summary, the available evidence is currently insufficient to determine the role of this variant in disease. Therefore, it has been classified as a Variant of Uncertain Significance.